The following is an entry in ClinVar:

NM_000038.6(APC):c.8252C>G (p.Thr2751Ser)

Gene: APC (APC regulator of Wnt signaling pathway; plus strand). Cytogenetic location: 5q22.2.
Variant type: single nucleotide variant.
Coding change: c.8252C>G on transcript NM_000038.6 (MANE Select); coding-DNA position 8252, C replaced by G.
Protein change: p.Thr2751Ser; replaces threonine 2751 with serine.
Molecular consequence: missense variant. On other transcripts: non-coding transcript variant (2).
Genome position (GRCh38, 1-based): chr5:112,843,846, C>G. VCF-style: chr5-112843846-C-G. GRCh37 (hg19) VCF-style: chr5-112179543-C-G.
Other names: c.8252C>G, p.Thr2751Ser (NM_001127510.3, NM_001354895.2, NM_001407450.1); c.8198C>G, p.Thr2733Ser (NM_001127511.3); c.8306C>G, p.Thr2769Ser (NM_001354896.2, NM_001407447.1, NM_001407448.1 and 1 more transcripts); c.8282C>G, p.Thr2761Ser (NM_001354897.2); c.8177C>G, p.Thr2726Ser (NM_001354898.2); c.8168C>G, p.Thr2723Ser (NM_001354899.2); c.8129C>G, p.Thr2710Ser (NM_001354900.2); c.8075C>G, p.Thr2692Ser (NM_001354901.2, NM_001407453.1); and 11 more; short protein forms T2468S, T2622S, T2668S, T2779S, T2367S, T2591S, T2650S, T2761S.
Identifiers: ClinVar variation 4825034 (VCV004825034.1).

ClinVar aggregate classification (germline): Uncertain significance (1 of 4 stars; one submission).

Conditions:
Hereditary cancer-predisposing syndrome. Also called: Neoplastic Syndromes, Hereditary; Tumor predisposition; Hereditary Cancer Syndrome; Hereditary neoplastic syndrome. Identifiers: Orphanet 140162, MedGen C0027672, MeSH D009386, MONDO:0015356.

Submission:

Ambry Genetics
Classification: Uncertain significance for Hereditary cancer-predisposing syndrome. Last evaluated: 2026-01-20. Review status: criteria provided, single submitter. Criteria: Ambry Variant Classification Scheme 2023. Collection method: clinical testing. Allele origin: germline.
Comment: The p.T2751S variant (also known as c.8252C>G), located in coding exon 15 of the APC gene, results from a C to G substitution at nucleotide position 8252. The threonine at codon 2751 is replaced by serine, an amino acid with similar properties. This amino acid position is conserved. In addition, in silico predictors for this gene do not accurately predict pathogenicity. Based on the available evidence, the clinical significance of this variant remains unclear.